The following is an entry in ClinVar:

NM_000642.3(AGL):c.1283+2T>C

Gene: AGL (amylo-alpha-1,6-glucosidase and 4-alpha-glucanotransferase; plus strand). Cytogenetic location: 1p21.2.
Variant type: single nucleotide variant.
Coding change: c.1283+2T>C on transcript NM_000642.3 (MANE Select); the canonical splice donor site of the intron after coding-DNA position 1283, T replaced by C.
Molecular consequence: splice donor variant. On other transcripts: intron variant (1).
Genome position (GRCh38, 1-based): chr1:99,875,457, T>C. VCF-style: chr1-99875457-T-C. GRCh37 (hg19) VCF-style: chr1-100341013-T-C.
Other names: c.1283+2T>C (NM_000643.3, NM_000644.3, NM_001425326.1 and 2 more transcripts); c.1235+2T>C (NM_000646.3); c.1082+647T>C (NM_001425327.1); c.1079+2T>C (NM_001425328.1, NM_001425329.1); c.905+2T>C (NM_001425332.1).
Identifiers: ClinVar variation 1906150 (VCV001906150.6), dbSNP rs2524602554, ClinGen allele CA341345729.
Genomic context (GRCh38, chr1:99,875,457, plus strand): 5'-CTGGCTGGCCATGGTCCAAAACTAGGACCTGTCACTAGAAAGCATCCTTTAGTTACCAGG[T>C]GTTGCATTTTTGTTTTTTTTCTTATTGATGGTTGAAAACTGAAAATTGTATTTAACTTTT-3'

ClinVar aggregate classification (germline): Likely pathogenic. Review status: criteria provided, multiple submitters, no conflicts (2 of 4 stars). 2 submissions from 2 submitters: Likely pathogenic (2). Last evaluated 2023-08-10.

Conditions:
Glycogen storage disease type III (GSD3). Also called: Cori disease; FORBES DISEASE. Identifiers: Orphanet 366, MedGen C0017922, MONDO:0009291, OMIM 232400.

Submissions (2):

Baylor Genetics
Classification: Likely pathogenic for Glycogen storage disease type III. Last evaluated: 2023-08-10. Review status: criteria provided, single submitter. Criteria: ACMG Guidelines, 2015. Collection method: clinical testing. Allele origin: unknown.

Labcorp Genetics (formerly Invitae), Labcorp
Classification: Likely pathogenic for Glycogen storage disease type III. Last evaluated: 2022-06-19. Review status: criteria provided, single submitter. Criteria: Invitae Variant Classification Sherloc (09022015). Collection method: clinical testing. Allele origin: germline.
Comment: In summary, the currently available evidence indicates that the variant is pathogenic, but additional data are needed to prove that conclusively. Therefore, this variant has been classified as Likely Pathogenic. Algorithms developed to predict the effect of sequence changes on RNA splicing suggest that this variant may disrupt the consensus splice site. This variant has not been reported in the literature in individuals affected with AGL-related conditions. This variant is not present in population databases (gnomAD no frequency). This sequence change affects a donor splice site in intron 10 of the AGL gene. It is expected to disrupt RNA splicing. Variants that disrupt the donor or acceptor splice site typically lead to a loss of protein function (PMID: 16199547), and loss-of-function variants in AGL are known to be pathogenic (PMID: 19299494).

Literature cited by the submitters: PubMed 16199547 (cited by Labcorp Genetics (formerly Invitae), Labcorp); PubMed 19299494 (cited by Labcorp Genetics (formerly Invitae), Labcorp).